The following is an entry in ClinVar:

ClinVar aggregate classification (germline): Uncertain significance. Review status: criteria provided, multiple submitters, no conflicts (2 of 4 stars). 4 submissions from 4 submitters: Uncertain significance (4). Last evaluated 2025-11-01.

Conditions:
Glycogen storage disease type III (GSD3). Also called: FORBES DISEASE; Cori disease. Identifiers: Orphanet 366, MedGen C0017922, MONDO:0009291, OMIM 232400.
Inborn genetic diseases. Identifiers: MedGen C0950123, MeSH D030342.

gnomAD v4.1: 1 of 1,614,150 alleles (0.000062%); highest among the groups gnomAD compares: African/African-American, 0.0013%; no homozygotes.

Submissions (4):

Labcorp Genetics (formerly Invitae), Labcorp
Classification: Uncertain significance for Glycogen storage disease type III. Last evaluated: 2025-11-01. Review status: criteria provided, single submitter. Criteria: Invitae Variant Classification Sherloc (09022015). Collection method: clinical testing. Allele origin: germline.
Comment: This sequence change replaces isoleucine, which is neutral and non-polar, with methionine, which is neutral and non-polar, at codon 1361 of the AGL protein (p.Ile1361Met). This variant is not present in population databases (gnomAD no frequency). This variant has not been reported in the literature in individuals affected with AGL-related conditions. ClinVar contains an entry for this variant (Variation ID: 1440673). Invitae Evidence Modeling of protein sequence and biophysical properties (such as structural, functional, and spatial information, amino acid conservation, physicochemical variation, residue mobility, and thermodynamic stability) indicates that this missense variant is not expected to disrupt AGL protein function with a negative predictive value of 80%. In summary, the available evidence is currently insufficient to determine the role of this variant in disease. Therefore, it has been classified as a Variant of Uncertain Significance.

Revvity Omics, Revvity
Classification: Uncertain significance for Glycogen storage disease type III. Last evaluated: 2023-09-14. Review status: criteria provided, single submitter. Criteria: ACMG Guidelines, 2015. Collection method: clinical testing. Allele origin: germline.

Genome-Nilou Lab
Classification: Uncertain significance for Glycogen storage disease type III. Last evaluated: 2023-04-11. Review status: criteria provided, single submitter. Criteria: ACMG Guidelines, 2015. Collection method: clinical testing. Allele origin: germline. Affected: no.

Ambry Genetics
Classification: Uncertain significance for Inborn genetic diseases. Last evaluated: 2023-01-06. Review status: criteria provided, single submitter. Criteria: Ambry Variant Classification Scheme 2023. Collection method: clinical testing. Allele origin: germline.

NM_000642.3(AGL):c.4083A>G (p.Ile1361Met)

Gene: AGL (amylo-alpha-1,6-glucosidase and 4-alpha-glucanotransferase; plus strand). Cytogenetic location: 1p21.2.
Variant type: single nucleotide variant.
Coding change: c.4083A>G on transcript NM_000642.3 (MANE Select); coding-DNA position 4083, A replaced by G.
Protein change: p.Ile1361Met; replaces isoleucine 1361 with methionine.
Molecular consequence: missense variant.
Genome position (GRCh38, 1-based): chr1:99,913,660, A>G. VCF-style: chr1-99913660-A-G. GRCh37 (hg19) VCF-style: chr1-100379216-A-G.
Other names: c.4083A>G, p.Ile1361Met (NM_000028.3, NM_000643.3, NM_000644.3 and 1 more transcripts); c.4035A>G, p.Ile1345Met (NM_000646.3); c.4062A>G, p.Ile1354Met (NM_001425326.1); c.3882A>G, p.Ile1294Met (NM_001425327.1); c.3879A>G, p.Ile1293Met (NM_001425328.1); c.3744A>G, p.Ile1248Met (NM_001425329.1); c.3705A>G, p.Ile1235Met (NM_001425332.1); short protein forms I1345M, I1361M, I1235M, I1248M, I1293M, I1294M, I1354M.
Identifiers: ClinVar variation 1440673 (VCV001440673.7), dbSNP rs897156043, ClinGen allele CA27556500.